The following is an entry in ClinVar:

NM_002691.4(POLD1):c.1889_1890del (p.Leu630fs)

Gene: POLD1 (DNA polymerase delta 1, catalytic subunit; plus strand). Cytogenetic location: 19q13.33.
Variant type: Deletion.
Coding change: c.1889_1890del on transcript NM_002691.4 (MANE Select); coding-DNA positions 1889 to 1890, 2 bases deleted (TG; older notation c.1889_1890delTG).
Protein change: p.Leu630fs; shifts the reading frame from leucine 630.
Molecular consequence: frameshift variant. On other transcripts: non-coding transcript variant (1).
Genome position (GRCh38, 1-based): chr19:50,408,898-50,408,899, TG deleted. VCF-style (leftmost placement, unchanged base first): chr19-50408897-CTG-C. GRCh37 (hg19) VCF-style: chr19-50912154-CTG-C.
Other names: c.1889_1890del, p.Leu630fs (NM_001256849.1); c.1967_1968del, p.Leu656fs (NM_001308632.1); short protein forms L656fs, L630fs.
Identifiers: ClinVar variation 581792 (VCV000581792.10), dbSNP rs1568630445, ClinGen allele CA891844271.

ClinVar aggregate classification (germline): Uncertain significance. Review status: criteria provided, multiple submitters, no conflicts (2 of 4 stars). 2 submissions from 2 submitters: Uncertain significance (2). Last evaluated 2025-07-29.

Conditions:
Hereditary cancer-predisposing syndrome. Also called: Tumor predisposition; Neoplastic Syndromes, Hereditary; Hereditary Cancer Syndrome; Hereditary neoplastic syndrome. Identifiers: Orphanet 140162, MedGen C0027672, MeSH D009386, MONDO:0015356.
POLD1-related polyposis and colorectal cancer syndrome (CRCS10). Also called: Colorectal cancer 10; COLORECTAL CANCER, SUSCEPTIBILITY TO, ON CHROMOSOME 19q; Colorectal cancer, susceptibility to, 10. Identifiers: Orphanet 220460, MedGen C2675481, MONDO:0012953, OMIM 612591.

Submissions (2):

Ambry Genetics
Classification: Uncertain significance for Hereditary cancer-predisposing syndrome. Last evaluated: 2025-07-29. Review status: criteria provided, single submitter. Criteria: Ambry Variant Classification Scheme 2023. Collection method: clinical testing. Allele origin: germline.
Comment: The c.1889_1890delTG variant, located in coding exon 14 of the POLD1 gene, results from a deletion of two nucleotides at nucleotide positions 1889 to 1890, causing a translational frameshift with a predicted alternate stop codon (p.L630Rfs*4). This alteration is expected to result in protein truncation or nonsense-mediated mRNA decay. However, loss of function of POLD1 has not been established as a mechanism of disease. Based on the available evidence, the clinical significance of this alteration remains unclear.

Labcorp Genetics (formerly Invitae), Labcorp
Classification: Uncertain significance for POLD1-related polyposis and colorectal cancer syndrome. Last evaluated: 2024-04-29. Review status: criteria provided, single submitter. Criteria: Invitae Variant Classification Sherloc (09022015). Collection method: clinical testing. Allele origin: germline.
Comment: This sequence change creates a premature translational stop signal (p.Leu630Argfs*4) in the POLD1 gene. Missense variants that disrupt the 3'-5' exonuclease (proof-reading) activity of the POLD1 protein are associated with PPAP (polymerase proofreading–associated polyposis) (PMID: 23263490, 23447401). However, loss-of-function variants that result in an absent or severely disrupted POLD1 protein, and missense variants outside the exonuclease domain, are unlikely to be associated with PPAP. This variant is not present in population databases (gnomAD no frequency). This variant has not been reported in the literature in individuals affected with POLD1-related conditions. ClinVar contains an entry for this variant (Variation ID: 581792). In summary, the available evidence is currently insufficient to determine the role of this variant in disease. Therefore, it has been classified as a Variant of Uncertain Significance.

Literature cited by the submitters: PubMed 23263490 (cited by Labcorp Genetics (formerly Invitae), Labcorp); PubMed 23447401 (cited by Labcorp Genetics (formerly Invitae), Labcorp).